The following is an entry in ClinVar:

ClinVar aggregate classification (germline): Pathogenic (1 of 4 stars; one submission).

Conditions:
Renal cysts and diabetes syndrome (RCAD). Also called: Familial hypoplastic, glomerulocystic kidney; MATURITY-ONSET DIABETES OF THE YOUNG, TYPE 5. Identifiers: Orphanet 93111, MedGen C0431693, MONDO:0007669, OMIM 137920.

Submission:

Institute of Human Genetics, FAU Erlangen, Friedrich-Alexander-Universität Erlangen-Nürnberg
Classification: Pathogenic for Renal cysts and diabetes syndrome. Last evaluated: 2019-07-06. Review status: criteria provided, single submitter. Criteria: ACMG Guidelines, 2015. Collection method: literature only. Allele origin: germline. Affected: yes.
Comment: This variant and it's classification has been reported by Vasileiou et al. 2019; DOI:10.1101/576918. The variants has previously been reported in PMID:20378641; PMID:25700310; PMID:20378641; PMID:25536396 as "c.322 delG,p.Ala108fs; c.322delG; c.322delG" with clinical significance Pathogenic. It has been re-classified using InterVar and manual curation as Pathogenic based on PVS1 PM2 PP3.

Literature cited by the submitters: PubMed 20378641; PubMed 25700310; PubMed 25536396; DOI 10.1101/576918.

NM_000458.4(HNF1B):c.322del (p.Ala108fs)

Gene: HNF1B (HNF1 homeobox B; minus strand). Cytogenetic location: 17q12.
Variant type: Deletion.
Coding change: c.322del on transcript NM_000458.4 (MANE Select); coding-DNA position 322, one base deleted (G; older notation c.322delG).
Protein change: p.Ala108fs; shifts the reading frame from alanine 108.
Molecular consequence: frameshift variant.
Genome position (GRCh38, 1-based): chr17:37,744,563, C deleted on the plus strand (G on the coding strand, the reverse complement: HNF1B is on the minus strand); the first of 3 consecutive C bases (chr17:37,744,563-37,744,565); deleting any one gives the same sequence. VCF-style (leftmost placement, unchanged base first): chr17-37744562-GC-G. GRCh37 (hg19) VCF-style: chr17-36104553-GC-G.
Other names: c.322del, p.Ala108fs (NM_001165923.4, NM_001304286.2); short protein forms A108fs.
Identifiers: ClinVar variation 635717 (VCV000635717.1), dbSNP rs2511849648, ClinGen allele CA913186016.